The following is an entry in ClinVar:

ClinVar aggregate classification (germline): Likely pathogenic. Review status: criteria provided, multiple submitters, no conflicts (2 of 4 stars). 3 submissions from 3 submitters: Likely pathogenic (2). 1 of the submissions does not count toward it. Last evaluated 2026-02-09.

Conditions:
Retinal dystrophy. Also called: Inherited retinal dystrophy. Identifiers: Orphanet 71862, MedGen C0854723, MeSH D058499, MONDO:0019118, HP:0000556.
Retinal disorder. Also called: Retinal disorders; Retinopathy; Retinopathies; Retinal Diseases. Identifiers: MedGen C0035309, MONDO:0005283, HP:0000488.

Allele frequency attached by ClinVar (database versions not stated): gnomAD exomes below 0.00001; TOPMed below 0.00001; ExAC 0.00001; gnomAD 0.00001.
gnomAD v4.1: 6 of 1,613,732 alleles (0.00037%); highest among the groups gnomAD compares: African/African-American, 0.0027%; no homozygotes.

Submissions (3):

Genetics Laboratory, Great Ormond Street Hospital NHS Foundation Trust, North Thames Genomic Laboratory Hub
Classification: Likely pathogenic for Retinal disorders. Last evaluated: 2026-02-09. Review status: criteria provided, single submitter. Criteria: ACGS Best Practice Guidelines for Variant Classification in Rare Disease 2024 v1.2. Collection method: clinical testing. Allele origin: germline. Affected: yes.
Comment: PM2_moderate, PVS1_moderate, PM3_moderate

Institute of Medical Genetics and Applied Genomics, University Hospital Tübingen
Classification: Likely pathogenic. Last evaluated: 2020-10-23. Review status: criteria provided, single submitter. Criteria: ACMG Guidelines, 2015. Collection method: clinical testing. Allele origin: germline. Inheritance: Autosomal recessive inheritance. Affected: yes.

NIHR Bioresource Rare Diseases, University of Cambridge
Classification: Likely pathogenic for Retinal dystrophy. Last evaluated: 2015-01-01. Review status: no assertion criteria provided. Collection method: research. Allele origin: unknown. Affected: yes. Observed: 1 variant allele. Not counted in ClinVar's aggregate classification.

Literature cited by the submitters: PubMed 28041643 (cited by NIHR Bioresource Rare Diseases, University of Cambridge).

NM_001379500.1(COL18A1):c.1897-2A>G

Gene: COL18A1 (collagen type XVIII alpha 1 chain; plus strand). Cytogenetic location: 21q22.3.
Variant type: single nucleotide variant.
Coding change: c.1897-2A>G on transcript NM_001379500.1 (MANE Select); the canonical splice acceptor site of the intron before coding-DNA position 1897, A replaced by G.
Molecular consequence: splice acceptor variant.
Genome position (GRCh38, 1-based): chr21:45,488,416, A>G. VCF-style: chr21-45488416-A-G. GRCh37 (hg19) VCF-style: chr21-46908330-A-G.
Other names: c.3142-2A>G (NM_130444.3); c.2437-2A>G (NM_030582.4).
Identifiers: ClinVar variation 438060 (VCV000438060.4), dbSNP rs778612831, ClinGen allele CA10066649.